The following is an entry in ClinVar:

NM_025179.4(PLXNA2):c.879C>A (p.Tyr293Ter)

Gene: PLXNA2 (plexin A2; minus strand). Cytogenetic location: 1q32.2.
Variant type: single nucleotide variant.
Coding change: c.879C>A on transcript NM_025179.4 (MANE Select); coding-DNA position 879, C replaced by A.
Protein change: p.Tyr293Ter; replaces tyrosine 293 with a stop codon.
Molecular consequence: nonsense.
Genome position (GRCh38, 1-based): chr1:208,217,044, G>T on the plus strand (C>A on the coding strand, the complement: PLXNA2 is on the minus strand). VCF-style: chr1-208217044-G-T. GRCh37 (hg19) VCF-style: chr1-208390389-G-T.
Other names: short protein forms Y293*.
Identifiers: ClinVar variation 4991974 (VCV004991974.1).
Genomic context (GRCh38, chr1:208,217,044, plus strand): 5'-AGCAGCCTGCAGGAGGCGGTATTCCACCCCGGCCCGGGTGCAGCCGAAGGGCAGGGACAC[G>T]TATGAGTGGAACTTGGGGTCATCCTTGCAGAGCCGCACGATGCGTGAGGTGTAGAAGAGG-3'

ClinVar aggregate classification (germline): Uncertain significance (1 of 4 stars; one submission).

Conditions:
PLXNA2-related disorder. Also called: PLXNA2-related condition.

Submission:

PreventionGenetics, part of Exact Sciences
Classification: Uncertain significance for PLXNA2-related condition. Last evaluated: 2026-02-19. Review status: criteria provided, single submitter. Criteria: ACMG Guidelines, 2015. Collection method: clinical testing. Allele origin: germline.
Comment: The PLXNA2 c.879C>A variant is predicted to result in premature protein termination (p.Tyr293*). To our knowledge, this variant has not been reported in the literature or in a large population database (gnomAD), indicating this variant is rare. Loss of function is not an established mechanism of PLXNA2-related disease. At this time, the clinical significance of this variant is uncertain due to the absence of conclusive functional and genetic evidence.